The following is an entry in ClinVar:

ClinVar aggregate classification (germline): Likely benign (1 of 4 stars; one submission).

Conditions:
Hereditary retinoblastoma. Identifiers: Orphanet 357027, MedGen C0751483, MONDO:0018160.

Submission:

Ramesar Group, Division of Human Genetics, Institute of Infectious Diseases and Molecular Medicine, UCT/MRC Genomic and Precision Medicine Research Unit, University of Cape Town
Classification: Likely benign for Hereditary retinoblastoma. Last evaluated: 2025-09-17. Review status: criteria provided, single submitter. Criteria: ACMG Guidelines, 2015. Collection method: research. Allele origin: germline. Affected: no.
Comment: BP5 - Variant found in a patient with a different retinal disease; RB1 is not associated with the phenotype BP7 - A non-coding variant with no predicted effect on splicing (SpliceAI scores are negligible)

NM_000321.3(RB1):c.1390-34A>T

Gene: RB1 (RB transcriptional corepressor 1; plus strand). Cytogenetic location: 13q14.2.
Variant type: single nucleotide variant.
Coding change: c.1390-34A>T on transcript NM_000321.3 (MANE Select); 34 bases into the intron before coding-DNA position 1390, A replaced by T.
Molecular consequence: intron variant.
Genome position (GRCh38, 1-based): chr13:48,380,019, A>T. VCF-style: chr13-48380019-A-T. GRCh37 (hg19) VCF-style: chr13-48954155-A-T.
Other names: c.1390-34A>T (NM_001407165.1, NM_001407166.1).
Identifiers: ClinVar variation 4759376 (VCV004759376.1), dbSNP rs2138142034.